The following is an entry in ClinVar:

NM_000321.3(RB1):c.1306dup (p.Gln436fs)

Gene: RB1 (RB transcriptional corepressor 1; plus strand). Cytogenetic location: 13q14.2.
Variant type: Duplication.
Coding change: c.1306dup on transcript NM_000321.3 (MANE Select); coding-DNA position 1306, one base duplicated (C; older notation c.1306dupC).
Protein change: p.Gln436fs; shifts the reading frame from glutamine 436.
Molecular consequence: frameshift variant.
Genome position (GRCh38, 1-based): chr13:48,377,008, C duplicated. VCF-style (leftmost placement, unchanged base first): chr13-48377007-A-AC. GRCh37 (hg19) VCF-style: chr13-48951143-A-AC.
Other names: c.1306dup, p.Gln436fs (NM_001407165.1, NM_001407166.1); short protein forms Q436fs.
Identifiers: ClinVar variation 5038413 (VCV005038413.1).

ClinVar aggregate classification (germline): Pathogenic (1 of 4 stars; one submission).

Conditions:
Retinoblastoma (RB1). Also called: RETINOBLASTOMA, SOMATIC. Identifiers: Orphanet 790, MedGen C0035335, MeSH D012175, MONDO:0008380, OMIM 180200, HP:0009919. Disease mechanism: loss of function. Inheritance: Both sporadic and heritable forms are tested..

Submission:

St. Jude Molecular Pathology, St. Jude Children's Research Hospital
Classification: Pathogenic for Retinoblastoma. Last evaluated: 2026-10-01. Review status: criteria provided, single submitter. Criteria: St. Jude Assertion Criteria 2020. Collection method: clinical testing. Allele origin: germline.
Comment: The RB1 c.1306dup p.(Gln436ProfsTer27) change duplicates one nucleotide to cause a frameshift and the creation of a premature stop codon . This change is predicted to cause protein truncation or absence of protein due to nonsense-mediated decay. This variant has been reported in individuals with retinoblastoma (internal data). This variant is also absent in gnomAD v2.1.1. In summary, this variant meets criteria to be classified as pathogenic.